The following is an entry in ClinVar:

ClinVar aggregate classification (germline): Conflicting classifications of pathogenicity. Review status: criteria provided, conflicting classifications (1 of 4 stars). 9 submissions from 9 submitters: Pathogenic (4); Likely pathogenic (2); Uncertain significance (2). 1 of the submissions does not count toward it. Last evaluated 2026-08-18.

Conditions:
Renal tubular acidosis. Identifiers: MedGen C0001126, MONDO:0001909, HP:0001947.
Monogenic hearing loss.
Renal tubular acidosis with progressive nerve deafness. Also called: renal tubular acidosis, distal, 2, with progressive sensorineural hearing loss; Distal Renal Tubular Acidosis with Progressive Sensorineural Deafness; RENAL TUBULAR ACIDOSIS, AUTOSOMAL RECESSIVE, WITH PROGRESSIVE NERVE DEAFNESS; RTA WITH PROGRESSIVE NERVE DEAFNESS. Identifiers: MedGen C0403554, MONDO:0009968, OMIM 267300.

Submissions (9):

Genetics Laboratory, Great Ormond Street Hospital NHS Foundation Trust, North Thames Genomic Laboratory Hub
Classification: Likely pathogenic for Monogenic hearing loss. Last evaluated: 2026-08-18. Review status: criteria provided, single submitter. Criteria: ACGS Best Practice Guidelines for Variant Classification in Rare Disease 2024 v1.2. Collection method: clinical testing. Allele origin: germline. Affected: yes.
Comment: PS4_moderate, PM2_moderate, PP3_supporting, PM6_moderate

Mendelics
Classification: Pathogenic for Renal tubular acidosis with progressive nerve deafness. Last evaluated: 2026-03-05. Review status: criteria provided, single submitter. Criteria: ACMG Guidelines, 2015. Collection method: clinical testing. Allele origin: unknown.
Comment: Likely pathogenic/Pathogenic according to ACMG criteria.

Natera, Inc.
Classification: Likely pathogenic for Renal tubular acidosis with progressive nerve deafness. Last evaluated: 2026-01-27. Review status: criteria provided, single submitter. Criteria: Natera Variant Classification Schema (03/2026). Collection method: clinical testing. Allele origin: germline.
Comment: The c.1181G>A variant in ATP6V1B1 is a missense variant predicted to cause substitution of arginine to glutamine at amino acid 394. This variant is rare in the general population with a frequency below the threshold expected for the associated phenotype(s). This variant has been observed in affected individual(s) with monoallelic occurrence (heterozygous/hemizygous) (PMID: 39837581). This variant has been observed to segregate in affected family members (PMID: 39837581). This variant has been confirmed as or assumed to be a de novo occurrence in one or more affected individuals (PMID: 39837581). Computational prediction algorithms indicate this variant is likely to affect gene or protein function. Given the available evidence, this variant is classified as Likely Pathogenic.

Labcorp Genetics (formerly Invitae), Labcorp
Classification: Pathogenic. Last evaluated: 2026-01-05. Review status: criteria provided, single submitter. Criteria: Invitae Variant Classification Sherloc (09022015). Collection method: clinical testing. Allele origin: germline.
Comment: This sequence change replaces arginine, which is basic and polar, with glutamine, which is neutral and polar, at codon 394 of the ATP6V1B1 protein (p.Arg394Gln). This variant is not present in population databases (gnomAD no frequency). This missense change has been observed in individual(s) with autosomal dominant distal renal tubular acidosis (PMID: 16611712, 19364879, 26571219, 28188436, 39837851). In at least one individual the variant was observed to be de novo. It has also been observed to segregate with disease in related individuals. ClinVar contains an entry for this variant (Variation ID: 852567). Invitae Evidence Modeling of protein sequence and biophysical properties (such as structural, functional, and spatial information, amino acid conservation, physicochemical variation, residue mobility, and thermodynamic stability) indicates that this missense variant is expected to disrupt ATP6V1B1 protein function with a positive predictive value of 95%. Algorithms developed to predict the effect of sequence changes on RNA splicing suggest that this variant may create or strengthen a splice site. For these reasons, this variant has been classified as Pathogenic.

GeneDx
Classification: Pathogenic. Last evaluated: 2025-02-27. Review status: criteria provided, single submitter. Criteria: GeneDx Variant Classification Process June 2021. Collection method: clinical testing. Allele origin: germline.
Comment: Not observed at significant frequency in large population cohorts (gnomAD); In silico analysis supports that this missense variant has a deleterious effect on protein structure/function; In silico analysis supports a deleterious effect on splicing; This variant is associated with the following publications: (PMID: 26138379, 26920127, 33914889, 35006361, 34159584, 28233610, 29398133, 28188436, 19364879, 16611712, 33358363, 26571219, 30773598, 32150856, 36165379)

Fulgent Genetics
Classification: Pathogenic for Renal tubular acidosis with progressive nerve deafness. Last evaluated: 2024-05-22. Review status: criteria provided, single submitter. Criteria: ACMG Guidelines, 2015. Collection method: clinical testing. Allele origin: germline.

3billion
Classification: Uncertain significance for Renal tubular acidosis with progressive nerve deafness. Last evaluated: 2024-02-05. Review status: criteria provided, single submitter. Criteria: ACMG Guidelines, 2015. Collection method: clinical testing. Allele origin: germline. Affected: yes.
Comment: The variant is not observed in the gnomAD v2.1.1 dataset. Predicted Consequence/Location: Missense variant In silico tool predictions suggest damaging effect of the variant on gene or gene product [REVEL: 0.86 (>=0.6, sensitivity 0.68 and specificity 0.92); 3Cnet: 0.79 (>=0.6, sensitivity 0.72 and precision 0.9)]. Same nucleotide change resulting in same amino acid change has been previously reported to be associated with ATP6V1B1-related disorder (PMID: 16611712). However, the evidence of pathogenicity is insufficient at this time. Therefore, this variant is classified as VUS according to the recommendation of ACMG/AMP guideline.

Blueprint Genetics
Classification: Uncertain significance. Last evaluated: 2022-08-16. Review status: criteria provided, single submitter. Criteria: ACMG Guidelines, 2015. Collection method: clinical testing. Allele origin: germline.

Sydney Genome Diagnostics, Children's Hospital Westmead
Classification: Uncertain significance for Renal tubular acidosis. Last evaluated: 2019-05-27. Review status: no assertion criteria provided. Collection method: clinical testing. Allele origin: unknown. Affected: yes. Observed: 1 variant allele, 1 heterozygote. Not counted in ClinVar's aggregate classification.

Literature cited by the submitters: PubMed 39837581 (cited by Natera, Inc.); PubMed 16611712 (cited by Labcorp Genetics (formerly Invitae), Labcorp and 3billion); PubMed 19364879 (cited by Labcorp Genetics (formerly Invitae), Labcorp); PubMed 26571219 (cited by Labcorp Genetics (formerly Invitae), Labcorp); PubMed 28188436 (cited by Labcorp Genetics (formerly Invitae), Labcorp); PubMed 39837851 (cited by Labcorp Genetics (formerly Invitae), Labcorp).

NM_001692.4(ATP6V1B1):c.1181G>A (p.Arg394Gln)

Gene: ATP6V1B1 (ATPase H+ transporting V1 subunit B1; plus strand). Cytogenetic location: 2p13.3.
Variant type: single nucleotide variant.
Coding change: c.1181G>A on transcript NM_001692.4 (MANE Select); coding-DNA position 1181, G replaced by A.
Protein change: p.Arg394Gln; replaces arginine 394 with glutamine.
Molecular consequence: missense variant.
Genome position (GRCh38, 1-based): chr2:70,964,475, G>A. VCF-style: chr2-70964475-G-A. GRCh37 (hg19) VCF-style: chr2-71191605-G-A.
Other names: short protein forms R394Q.
Identifiers: ClinVar variation 852567 (VCV000852567.17), dbSNP rs1680670309, ClinGen allele CA347187661.